The following is an entry in ClinVar:

ClinVar aggregate classification (germline): Uncertain significance (1 of 4 stars; one submission).

Submission:

GeneDx
Classification: Uncertain significance. Last evaluated: 2024-01-07. Review status: criteria provided, single submitter. Criteria: GeneDx Variant Classification Process June 2021. Collection method: clinical testing. Allele origin: germline. Affected: yes.
Comment: Not observed at significant frequency in large population cohorts (gnomAD); In silico analysis supports that this missense variant has a deleterious effect on protein structure/function; Has not been previously published as pathogenic or benign to our knowledge

NM_003128.3(SPTBN1):c.1400T>C (p.Ile467Thr)

Gene: SPTBN1 (spectrin beta, non-erythrocytic 1; plus strand). Cytogenetic location: 2p16.2.
Variant type: single nucleotide variant.
Coding change: c.1400T>C on transcript NM_003128.3 (MANE Select); coding-DNA position 1400, T replaced by C.
Protein change: p.Ile467Thr; replaces isoleucine 467 with threonine.
Molecular consequence: missense variant.
Genome position (GRCh38, 1-based): chr2:54,625,990, T>C. VCF-style: chr2-54625990-T-C. GRCh37 (hg19) VCF-style: chr2-54853127-T-C.
Other names: c.1361T>C, p.Ile454Thr (NM_178313.3); short protein forms I454T, I467T.
Identifiers: ClinVar variation 3367492 (VCV003367492.1).